The following is an entry in ClinVar:

NM_001701.4(BAAT):c.1003G>A (p.Ala335Thr)

Gene: BAAT (bile acid-CoA:amino acid N-acyltransferase; minus strand). Cytogenetic location: 9q31.1.
Variant type: single nucleotide variant.
Coding change: c.1003G>A on transcript NM_001701.4 (MANE Select); coding-DNA position 1003, G replaced by A.
Protein change: p.Ala335Thr; replaces alanine 335 with threonine.
Molecular consequence: missense variant.
Genome position (GRCh38, 1-based): chr9:101,362,682, C>T on the plus strand (G>A on the coding strand, the complement: BAAT is on the minus strand). VCF-style: chr9-101362682-C-T. GRCh37 (hg19) VCF-style: chr9-104124964-C-T.
Other names: c.1003G>A, p.Ala335Thr (NM_001127610.2, NM_001374715.1); short protein forms A335T.
Identifiers: ClinVar variation 4999820 (VCV004999820.1).

ClinVar aggregate classification (germline): Uncertain significance (1 of 4 stars; one submission).

Conditions:
BAAT-related disorder. Also called: BAAT-related condition.

Submission:

PreventionGenetics, part of Exact Sciences
Classification: Uncertain significance for BAAT-related condition. Last evaluated: 2025-03-31. Review status: criteria provided, single submitter. Criteria: ACMG Guidelines, 2015. Collection method: clinical testing. Allele origin: germline.
Comment: The BAAT c.1003G>A variant is predicted to result in the amino acid substitution p.Ala335Thr. To our knowledge, this variant has not been reported in the literature. This variant is reported in 0.00088% of alleles in individuals of European (Non-Finnish) descent in gnomAD. At this time, the clinical significance of this variant is uncertain due to the absence of conclusive functional and genetic evidence.